The following is an entry in ClinVar:

NM_004618.5(TOP3A):c.2166C>T (p.Arg722=)

Gene: TOP3A (DNA topoisomerase III alpha; minus strand). Cytogenetic location: 17p11.2.
Variant type: single nucleotide variant.
Coding change: c.2166C>T on transcript NM_004618.5 (MANE Select); coding-DNA position 2166, C replaced by T.
Protein change: p.Arg722=; no amino-acid change (arginine 722 retained).
Molecular consequence: synonymous variant.
Genome position (GRCh38, 1-based): chr17:18,278,336, G>A on the plus strand (C>T on the coding strand, the complement: TOP3A is on the minus strand). VCF-style: chr17-18278336-G-A. GRCh37 (hg19) VCF-style: chr17-18181650-G-A.
Other names: c.1881C>T, p.Arg627= (NM_001320759.2); c.2166C>T (NM_004618.4).
Identifiers: ClinVar variation 2082644 (VCV002082644.6), dbSNP rs150782687, ClinGen allele CA8429669.
Genomic context (GRCh38, chr17:18,278,336, plus strand): 5'-GTCGTCGCATCCGCCGATGCAGCAAACAAACTCCAGAGGCATGGTCGGGGGAAGGCTACC[G>A]CGCTTAAACTTTAACTTTAACCTAGTGAGGCCAGAAGATGAGAAAAAACATTAACAACCA-3'
Protein context (NP_004609.1, residues 712-732): PVYRLKLKFK[Arg722=]GSLPPTMPLE

ClinVar aggregate classification (germline): Benign. Review status: criteria provided, single submitter (1 of 4 stars). 2 submissions from 2 submitters: Benign (1). 1 of the submissions does not count toward it. Last evaluated 2025-08-04.

Conditions:
TOP3A-related disorder. Also called: TOP3A-related condition; TOP3A-related disorders.

Allele frequency attached by ClinVar (database versions not stated): 1000 Genomes Project 0.00080; gnomAD 0.00084; ESP Exome Variant Server 0.00085; TOPMed 0.00094; 1000 Genomes Project 30x 0.00109.
gnomAD v4.1: 285 of 1,513,488 alleles (0.019%); highest among the groups gnomAD compares: African/African-American, 0.31%; 2 homozygotes.

Submissions (2):

Labcorp Genetics (formerly Invitae), Labcorp
Classification: Benign. Last evaluated: 2025-08-04. Review status: criteria provided, single submitter. Criteria: Invitae Variant Classification Sherloc (09022015). Collection method: clinical testing. Allele origin: germline.

PreventionGenetics, part of Exact Sciences
Classification: Likely benign for TOP3A-related condition. Last evaluated: 2019-06-27. Review status: no assertion criteria provided. Collection method: clinical testing. Allele origin: germline. Not counted in ClinVar's aggregate classification.
Comment: This variant is classified as likely benign based on ACMG/AMP sequence variant interpretation guidelines (Richards et al. 2015 PMID: 25741868, with internal and published modifications).